The following is an entry in ClinVar:

NM_014844.5(TECPR2):c.2490C>T (p.Gly830=)

Genes: TECPR2 (tectonin beta-propeller repeat containing 2; plus strand), LOC130056519 (ATAC-STARR-seq lymphoblastoid silent region 6116; plus strand). Cytogenetic location: 14q32.31.
Variant type: single nucleotide variant.
Coding change: c.2490C>T on transcript NM_014844.5 (MANE Select); coding-DNA position 2490, C replaced by T.
Protein change: p.Gly830=; no amino-acid change (glycine 830 retained).
Molecular consequence: synonymous variant.
Genome position (GRCh38, 1-based): chr14:102,438,117, C>T. VCF-style: chr14-102438117-C-T. GRCh37 (hg19) VCF-style: chr14-102904454-C-T.
Other names: c.2490C>T, p.Gly830= (NM_001172631.3).
Identifiers: ClinVar variation 3257691 (VCV003257691.17).

ClinVar aggregate classification (germline): Likely benign (1 of 4 stars; one submission).

gnomAD v4.1: 11 of 1,613,970 alleles (0.00068%); highest among the groups gnomAD compares: East Asian, 0.02%; no homozygotes.

Submission:

CeGaT Center for Human Genetics Tuebingen
Classification: Likely benign. Last evaluated: 2024-07-01. Review status: criteria provided, single submitter. Criteria: CeGaT Center For Human Genetics Tuebingen Variant Classification Criteria Version 2. Collection method: clinical testing. Allele origin: germline. Affected: yes. Observed: 1 variant allele.
Comment: TECPR2: BP4, BP7